The following is an entry in ClinVar:

NM_000065.5(C6):c.2605G>A (p.Asp869Asn)

Gene: C6 (complement C6; minus strand). Cytogenetic location: 5p13.1.
Variant type: single nucleotide variant.
Coding change: c.2605G>A on transcript NM_000065.5 (MANE Select); coding-DNA position 2605, G replaced by A.
Protein change: p.Asp869Asn; replaces aspartic acid 869 with asparagine.
Molecular consequence: missense variant.
Genome position (GRCh38, 1-based): chr5:41,149,259, C>T on the plus strand (G>A on the coding strand, the complement: C6 is on the minus strand). VCF-style: chr5-41149259-C-T. GRCh37 (hg19) VCF-style: chr5-41149361-C-T.
Other names: c.2605G>A, p.Asp869Asn (NM_001115131.4); short protein forms D869N.
Identifiers: ClinVar variation 1386037 (VCV001386037.5), dbSNP rs115220610, ClinGen allele CA3252078.

ClinVar aggregate classification (germline): Uncertain significance (1 of 4 stars; one submission).

Allele frequency attached by ClinVar (database versions not stated): TOPMed 0.00005; gnomAD 0.00008; 1000 Genomes Project 0.00020; ESP Exome Variant Server 0.00023; 1000 Genomes Project 30x 0.00031.
gnomAD v4.1: 102 of 1,614,030 alleles (0.0063%); highest among the groups gnomAD compares: Non-Finnish European, 0.0078%; no homozygotes.

Submission:

Labcorp Genetics (formerly Invitae), Labcorp
Classification: Uncertain significance. Last evaluated: 2022-07-14. Review status: criteria provided, single submitter. Criteria: Invitae Variant Classification Sherloc (09022015). Collection method: clinical testing. Allele origin: germline.
Comment: This sequence change replaces aspartic acid, which is acidic and polar, with asparagine, which is neutral and polar, at codon 869 of the C6 protein (p.Asp869Asn). This variant is present in population databases (rs115220610, gnomAD 0.01%). This variant has not been reported in the literature in individuals affected with C6-related conditions. ClinVar contains an entry for this variant (Variation ID: 1386037). Algorithms developed to predict the effect of missense changes on protein structure and function output the following: SIFT: "Tolerated"; PolyPhen-2: "Benign"; Align-GVGD: "Class C0". The asparagine amino acid residue is found in multiple mammalian species, which suggests that this missense change does not adversely affect protein function. In summary, the available evidence is currently insufficient to determine the role of this variant in disease. Therefore, it has been classified as a Variant of Uncertain Significance.